The following is an entry in ClinVar:

ClinVar aggregate classification (germline): Uncertain significance (1 of 4 stars; one submission).

Submission:

Labcorp Genetics (formerly Invitae), Labcorp
Classification: Uncertain significance. Last evaluated: 2022-06-19. Review status: criteria provided, single submitter. Criteria: Invitae Variant Classification Sherloc (09022015). Collection method: clinical testing. Allele origin: germline.
Comment: In summary, the available evidence is currently insufficient to determine the role of this variant in disease. Therefore, it has been classified as a Variant of Uncertain Significance. Experimental studies and prediction algorithms are not available or were not evaluated, and the functional significance of this variant is currently unknown. This variant has not been reported in the literature in individuals affected with MAP3K20-related conditions. This variant is not present in population databases (gnomAD no frequency). This sequence change replaces glutamic acid, which is acidic and polar, with glycine, which is neutral and non-polar, at codon 298 of the MAP3K20 protein (p.Glu298Gly).

NM_016653.3(MAP3K20):c.893A>G (p.Glu298Gly)

Genes: MAP3K20 (mitogen-activated protein kinase kinase kinase 20; plus strand), MAP3K20-AS1 (MAP3K20 antisense RNA 1; minus strand). Cytogenetic location: 2q31.1.
Variant type: single nucleotide variant.
Coding change: c.893A>G on transcript NM_016653.3 (MANE Select); coding-DNA position 893, A replaced by G.
Protein change: p.Glu298Gly; replaces glutamic acid 298 with glycine.
Molecular consequence: missense variant.
Genome position (GRCh38, 1-based): chr2:173,217,156, A>G. VCF-style: chr2-173217156-A-G. GRCh37 (hg19) VCF-style: chr2-174081884-A-G.
Other names: c.893A>G, p.Glu298Gly (NM_133646.3); short protein forms E298G.
Identifiers: ClinVar variation 2007877 (VCV002007877.4), dbSNP rs2468221302, ClinGen allele CA349314143.